The following is an entry in ClinVar:

NM_001927.4(DES):c.1257del (p.Ile420fs)

Gene: DES (desmin; plus strand). Cytogenetic location: 2q35.
Variant type: Deletion.
Coding change: c.1257del on transcript NM_001927.4 (MANE Select); coding-DNA position 1257, one base deleted (C; older notation c.1257delC).
Protein change: p.Ile420fs; shifts the reading frame from isoleucine 420.
Molecular consequence: frameshift variant.
Genome position (GRCh38, 1-based): chr2:219,423,789, C deleted; the last of 4 consecutive C bases (chr2:219,423,786-219,423,789); deleting any one gives the same sequence. VCF-style (leftmost placement, unchanged base first): chr2-219423785-TC-T. GRCh37 (hg19) VCF-style: chr2-220288507-TC-T.
Other names: c.1254del, p.Ile419fs (NM_001382708.1); c.825del, p.Ile276fs (NM_001382709.1); c.1188del, p.Ile397fs (NM_001382710.1); c.1236del, p.Ile413fs (NM_001382711.1); c.1257del, p.Ile420fs (NM_001382712.1); c.987del, p.Ile330fs (NM_001382713.1); short protein forms I330fs, I420fs, I413fs, I397fs, I419fs, I276fs.
Identifiers: ClinVar variation 4786122 (VCV004786122.1).
Genomic context (GRCh38, chr2:219,423,785, plus strand): 5'-GGCCGATGGGAGGGTTCTTAACTCTTAGGAGGTTTTGTCTCTTCCCTTTTAGGATCAATC[TC>T]CCCATCCAGACCTACTCTGCCCTCAACTTCCGAGGTGAGTGTCTGCTGGCAGGCGGAGGC-3'

ClinVar aggregate classification (germline): Pathogenic (1 of 4 stars; one submission).

Conditions:
Desmin-related myofibrillar myopathy (MFM1). Also called: Desminopathy; Desmin related myopathy (former name); Desmin storage myopathy (former name); MYOFIBRILLAR MYOPATHY WITH ARRHYTHMOGENIC RIGHT VENTRICULAR CARDIOMYOPATHY; DESMIN-RELATED MYOPATHY WITH ARRHYTHMOGENIC RIGHT VENTRICULAR CARDIOMYOPATHY; Myofibrillar myopathy 1. Identifiers: Orphanet 363543, Orphanet 98909, MedGen C1832370, MONDO:0011076, OMIM 601419.

Submission:

Labcorp Genetics (formerly Invitae), Labcorp
Classification: Pathogenic for Desmin-related myofibrillar myopathy. Last evaluated: 2025-09-18. Review status: criteria provided, single submitter. Criteria: Invitae Variant Classification Sherloc (09022015). Collection method: clinical testing. Allele origin: germline.
Comment: This sequence change creates a premature translational stop signal (p.Ile420Serfs*27) in the DES gene. While this is not anticipated to result in nonsense mediated decay, it is expected to disrupt the last 51 amino acid(s) of the DES protein. This variant is not present in population databases (gnomAD no frequency). This variant has not been reported in the literature in individuals affected with DES-related conditions. This variant disrupts a region of the DES protein in which other variant(s) (p.Gly456Arg) have been determined to be pathogenic (PMID: 35958417; internal data). This suggests that this is a clinically significant region of the protein, and that variants that disrupt it are likely to be disease-causing. For these reasons, this variant has been classified as Pathogenic.

Literature cited by the submitters: PubMed 35958417.